The following is an entry in ClinVar:

NM_206926.2(SELENON):c.644A>T (p.Glu215Val)

Gene: SELENON (selenoprotein N; plus strand). Cytogenetic location: 1p36.11.
Variant type: single nucleotide variant.
Coding change: c.644A>T on transcript NM_206926.2 (MANE Select); coding-DNA position 644, A replaced by T.
Protein change: p.Glu215Val; replaces glutamic acid 215 with valine.
Molecular consequence: missense variant.
Genome position (GRCh38, 1-based): chr1:25,808,788, A>T. VCF-style: chr1-25808788-A-T. GRCh37 (hg19) VCF-style: chr1-26135279-A-T.
Other names: c.746A>T, p.Glu249Val (NM_020451.3); short protein forms E215V, E249V.
Identifiers: ClinVar variation 943393 (VCV000943393.10), dbSNP rs2047932867, ClinGen allele CA339112698.

ClinVar aggregate classification (germline): Uncertain significance (1 of 4 stars; one submission).

Conditions:
Eichsfeld type congenital muscular dystrophy (CMYO3). Also called: MYOPATHY, SEPN1-RELATED; Rigid spine muscular dystrophy 1; SELENON-related myopathy; Congenital myopathy 3 with rigid spine. Identifiers: MedGen C0410180, MONDO:0100100, OMIM 602771.

Allele frequency attached by ClinVar (database versions not stated): gnomAD exomes below 0.00001.

Submission:

Labcorp Genetics (formerly Invitae), Labcorp
Classification: Uncertain significance for Eichsfeld type congenital muscular dystrophy. Last evaluated: 2022-09-01. Review status: criteria provided, single submitter. Criteria: Invitae Variant Classification Sherloc (09022015). Collection method: clinical testing. Allele origin: germline.
Comment: Algorithms developed to predict the effect of missense changes on protein structure and function (SIFT, PolyPhen-2, Align-GVGD) all suggest that this variant is likely to be disruptive. ClinVar contains an entry for this variant (Variation ID: 943393). This missense change has been observed in individual(s) with clinical features of SELENON-related conditions (Invitae). This variant is not present in population databases (gnomAD no frequency). This sequence change replaces glutamic acid, which is acidic and polar, with valine, which is neutral and non-polar, at codon 249 of the SELENON protein (p.Glu249Val). Algorithms developed to predict the effect of sequence changes on RNA splicing suggest that this variant may disrupt the consensus splice site. In summary, the available evidence is currently insufficient to determine the role of this variant in disease. Therefore, it has been classified as a Variant of Uncertain Significance.